The following is an entry in ClinVar:

NM_000057.4(BLM):c.2290T>C (p.Tyr764His)

Gene: BLM (BLM RecQ like helicase; plus strand). Cytogenetic location: 15q26.1.
Variant type: single nucleotide variant.
Coding change: c.2290T>C on transcript NM_000057.4 (MANE Select); coding-DNA position 2290, T replaced by C.
Protein change: p.Tyr764His; replaces tyrosine 764 with histidine.
Molecular consequence: missense variant.
Genome position (GRCh38, 1-based): chr15:90,767,006, T>C. VCF-style: chr15-90767006-T-C. GRCh37 (hg19) VCF-style: chr15-91310236-T-C.
Other names: c.2290T>C, p.Tyr764His (NM_001287246.2, NM_001287247.2); c.1165T>C, p.Tyr389His (NM_001287248.2); short protein forms Y389H, Y764H.
Identifiers: ClinVar variation 1789111 (VCV001789111.2), dbSNP rs1896151045, ClinGen allele CA393844971.

ClinVar aggregate classification (germline): Uncertain significance (1 of 4 stars; one submission).

Conditions:
Hereditary cancer-predisposing syndrome. Also called: Hereditary Cancer Syndrome; Hereditary neoplastic syndrome; Tumor predisposition; Neoplastic Syndromes, Hereditary. Identifiers: Orphanet 140162, MedGen C0027672, MeSH D009386, MONDO:0015356.

Submission:

Ambry Genetics
Classification: Uncertain significance for Hereditary cancer-predisposing syndrome. Last evaluated: 2022-06-11. Review status: criteria provided, single submitter. Criteria: Ambry Variant Classification Scheme 2023. Collection method: clinical testing. Allele origin: germline.
Comment: The p.Y764H variant (also known as c.2290T>C), located in coding exon 9 of the BLM gene, results from a T to C substitution at nucleotide position 2290. The tyrosine at codon 764 is replaced by histidine, an amino acid with similar properties. This amino acid position is conserved. In addition, this alteration is predicted to be deleterious by in silico analysis. Since supporting evidence is limited at this time, the clinical significance of this alteration remains unclear.